The following is an entry in ClinVar:

NM_001042492.3(NF1):c.5762A>G (p.His1921Arg)

Gene: NF1 (neurofibromin 1; plus strand). Cytogenetic location: 17q11.2.
Variant type: single nucleotide variant.
Coding change: c.5762A>G on transcript NM_001042492.3 (MANE Select); coding-DNA position 5762, A replaced by G.
Protein change: p.His1921Arg; replaces histidine 1921 with arginine.
Molecular consequence: missense variant.
Genome position (GRCh38, 1-based): chr17:31,330,448, A>G. VCF-style: chr17-31330448-A-G. GRCh37 (hg19) VCF-style: chr17-29657466-A-G.
Other names: c.5699A>G, p.His1900Arg (NM_000267.4); short protein forms H1900R, H1921R.
Identifiers: ClinVar variation 1408691 (VCV001408691.8), dbSNP rs2151544881, ClinGen allele CA399010418.

ClinVar aggregate classification (germline): Uncertain significance (1 of 4 stars; one submission).

Conditions:
Neurofibromatosis, type 1 (NF1). Also called: NEUROFIBROMATOSIS, TYPE I, SOMATIC; Peripheral type neurofibromatosis; Neurofibromatosis, type I; VON RECKLINGHAUSEN DISEASE. Identifiers: Orphanet 636, MedGen C0027831, MONDO:0018975, OMIM 162200. Disease mechanism: loss of function.

Submission:

Labcorp Genetics (formerly Invitae), Labcorp
Classification: Uncertain significance for Neurofibromatosis, type 1. Last evaluated: 2025-08-13. Review status: criteria provided, single submitter. Criteria: Invitae Variant Classification Sherloc (09022015). Collection method: clinical testing. Allele origin: germline.
Comment: This sequence change replaces histidine, which is basic and polar, with arginine, which is basic and polar, at codon 1900 of the NF1 protein (p.His1900Arg). This variant is not present in population databases (gnomAD no frequency). This variant has not been reported in the literature in individuals affected with NF1-related conditions. ClinVar contains an entry for this variant (Variation ID: 1408691). Invitae Evidence Modeling of protein sequence and biophysical properties (such as structural, functional, and spatial information, amino acid conservation, physicochemical variation, residue mobility, and thermodynamic stability) indicates that this missense variant is expected to disrupt NF1 protein function with a positive predictive value of 95%. In summary, the available evidence is currently insufficient to determine the role of this variant in disease. Therefore, it has been classified as a Variant of Uncertain Significance.